The following is an entry in ClinVar:

ClinVar aggregate classification (germline): Pathogenic. Review status: reviewed by expert panel (3 of 4 stars). 12 submissions from 12 submitters: Pathogenic (1). 11 of the submissions do not count toward it. Last evaluated 2013-09-05.

Conditions:
Lynch syndrome. Identifiers: Orphanet 144, MedGen C4552100, MONDO:0005835. Disease mechanism: loss of function.
Lynch syndrome 5 (LYNCH5). Also called: Colorectal cancer, hereditary nonpolyposis, type 5; Hereditary non-polyposis colorectal cancer, type 5. Identifiers: Orphanet 144, MedGen C1833477, MONDO:0013710, OMIM 614350. Disease mechanism: loss of function.
Hereditary nonpolyposis colon cancer (HNPCC). Also called: Hereditary nonpolyposis colorectal cancer; Familial nonpolyposis colon cancer; Hereditary Nonpolyposis Colorectal Cancer Syndrome. Identifiers: Orphanet 443909, MedGen C1333990, MONDO:0018630. Disease mechanism: loss of function.
Hereditary nonpolyposis colorectal neoplasms. Identifiers: MedGen C0009405, MeSH D003123.
Hereditary cancer-predisposing syndrome. Also called: Tumor predisposition; Hereditary Cancer Syndrome; Hereditary neoplastic syndrome; Neoplastic Syndromes, Hereditary. Identifiers: Orphanet 140162, MedGen C0027672, MeSH D009386, MONDO:0015356.
Endometrial carcinoma. Also called: Endometrial carcinoma, somatic. Identifiers: MedGen C0476089, MONDO:0002447, OMIM 608089, HP:0012114.
Malignant tumor of breast. Also called: Malignant breast neoplasm; Cancer breast. Identifiers: MedGen C0006142, MONDO:0007254. Disease mechanism: loss of function.

Allele frequency attached by ClinVar (database versions not stated): gnomAD exomes below 0.00001.

Submissions (12):

International Society for Gastrointestinal Hereditary Tumours (InSiGHT)
Classification: Pathogenic for Lynch Syndrome. Last evaluated: 2013-09-05. Review status: reviewed by expert panel. Criteria: Guidelines v1.9. Collection method: research. Allele origin: germline.
Comment: Coding sequence variation resulting in a stop codon

Classified with v1.9 guidelines

Labcorp Genetics (formerly Invitae), Labcorp
Classification: Pathogenic for Hereditary nonpolyposis colorectal neoplasms. Last evaluated: 2026-01-20. Review status: criteria provided, single submitter. Criteria: Invitae Variant Classification Sherloc (09022015). Collection method: clinical testing. Allele origin: germline. Not counted in ClinVar's aggregate classification.
Comment: This sequence change creates a premature translational stop signal (p.Glu1281Leufs*44) in the MSH6 gene. While this is not anticipated to result in nonsense mediated decay, it is expected to disrupt the last 80 amino acid(s) of the MSH6 protein. This variant is not present in population databases (gnomAD no frequency). This premature translational stop signal has been observed in individual(s) with hereditary nonpolyposis colorectal cancer (Lynch syndrome) (PMID: 16807412, 18269114, 20028993). Invitae Evidence Modeling of clinical and family history, age, sex, and reported ancestry of multiple individuals with this MSH6 variant has been performed. This variant is expected to be pathogenic with a positive predictive value of at least 99%. This is a validated machine learning model that incorporates the clinical features of 1,627,235 individuals referred to our laboratory for MSH6 testing. ClinVar contains an entry for this variant (Variation ID: 89474). RNA analysis performed to evaluate the impact of this premature translational stop signal on mRNA splicing indicates it does not significantly alter splicing (internal data). This variant disrupts a region of the MSH6 protein in which other variant(s) (p.Ala1320Glufs*6) have been determined to be pathogenic (PMID: 21155762). This suggests that this is a clinically significant region of the protein, and that variants that disrupt it are likely to be disease-causing. For these reasons, this variant has been classified as Pathogenic.

Color Diagnostics, LLC DBA Color Health
Classification: Pathogenic for Hereditary cancer-predisposing syndrome. Last evaluated: 2025-08-11. Review status: criteria provided, single submitter. Criteria: ACMG Guidelines, 2015. Collection method: clinical testing. Allele origin: germline. Not counted in ClinVar's aggregate classification.
Comment: This variant deletes 7 nucleotides in exon 9 of the MSH6 gene, creating a frameshift and premature translation stop signal. This variant is expected to result in an absent or non-functional protein product. To our knowledge, functional studies have not been reported for this variant. This variant has been reported in individuals affected with colorectal cancer (PMID: 16807412), and individuals affected with Lynch syndrome or colorectal cancer and clinical features of Lynch syndrome (PMID: 18269114, 26666765). This variant has not been identified in the general population by the Genome Aggregation Database (gnomAD). Loss of MSH6 function is a known mechanism of disease. Based on the available evidence, this variant is classified as Pathogenic.

Quest Diagnostics Nichols Institute San Juan Capistrano
Classification: Pathogenic. Last evaluated: 2025-07-04. Review status: criteria provided, single submitter. Criteria: Quest Diagnostics criteria. Collection method: clinical testing. Allele origin: unknown. Not counted in ClinVar's aggregate classification.
Comment: The MSH6 c.3840_3846del (p.Glu1281Leufs*44) variant alters the translational reading frame of the MSH6 mRNA and causes the premature termination of MSH6 protein synthesis. This variant has been reported in the published literature in individuals with Lynch syndrome (PMIDs: 30877237 (2019), 26666765 (2015), 20028993 (2010), 18269114 (2008) and 16807412 (2006)). This variant has not been reported in large, multi-ethnic general populations (Genome Aggregation Database). Based on the available information, this variant is classified as pathogenic.

GeneDx
Classification: Pathogenic. Last evaluated: 2025-06-03. Review status: criteria provided, single submitter. Criteria: GeneDx Variant Classification Process June 2021. Collection method: clinical testing. Allele origin: germline. Affected: yes. Not counted in ClinVar's aggregate classification.
Comment: Frameshift variant predicted to result in protein truncation in a gene for which loss-of-function is a known mechanism of disease; Observed in individuals with MSH6-related cancers, some of which showed consistent loss of MSH6 expression on immunohistochemistry tumor testing (PMID: 16807412, 18269114, 20028993, 30877237, 26666765, 37030500); Not observed at significant frequency in large population cohorts (gnomAD); Truncating variants in this gene are considered pathogenic by a well-established clinical consortium and/or database; Also known as Q1280fsX1324; This variant is associated with the following publications: (PMID: 16807412, 20028993, 30877237, 18269114, 30787465, 21155762, 26666765, 37030500, 32652087, 12019211, 17531815, 21120944)

Ambry Genetics
Classification: Pathogenic for Hereditary cancer-predisposing syndrome. Last evaluated: 2025-04-14. Review status: criteria provided, single submitter. Criteria: Ambry Variant Classification Scheme 2023. Collection method: clinical testing. Allele origin: germline. Not counted in ClinVar's aggregate classification.
Comment: The c.3840_3846delGGAGACT pathogenic mutation, located in coding exon 9 of the MSH6 gene, results from a deletion of 7 nucleotides at nucleotide positions 3840 to 3846, causing a translational frameshift with a predicted alternate stop codon (p.E1281Lfs*44). This alteration occurs at the 3' terminus of theMSH6 gene, is not expected to trigger nonsense-mediated mRNA decay, and impacts the last 5.9% of the protein. However, premature stop codons are typically deleterious in nature, the impacted region is critical for protein function, and a significant portion of the protein is affected (Ambry internal data). This mutation was also observed in a patient with MSH6-absent colorectal cancer (Haraldsdottir S et al. Fam. Cancer. 2016 Apr;15:253-60). This variant is considered to be rare based on population cohorts in the Genome Aggregation Database (gnomAD). Based on the supporting evidence, this variant is interpreted as a disease-causing mutation.

Women's Health and Genetics/Laboratory Corporation of America, LabCorp
Classification: Pathogenic for Hereditary nonpolyposis colon cancer. Last evaluated: 2024-09-09. Review status: criteria provided, single submitter. Criteria: LabCorp Variant Classification Summary - May 2015. Collection method: clinical testing. Allele origin: germline. Not counted in ClinVar's aggregate classification.
Comment: Variant summary: MSH6 c.3840_3846delGGAGACT (p.Glu1281LeufsX44) results in a premature termination codon, predicted to cause a truncation of the encoded protein. Nonsense mediated decay is not predicted however, pathogenic variants have been observed downstream internally. The variant was absent in 250924 control chromosomes. c.3840_3846delGGAGACT has been reported in the literature in individuals affected with Hereditary Nonpolyposis Colorectal Cancer (Branetson_2006, Devlin_2008, Pearlman_2019). These data indicate that the variant is likely to be associated with disease. To our knowledge, no experimental evidence demonstrating an impact on protein function has been reported. The following publications have been ascertained in the context of this evaluation (PMID: 20028993, 16807412, 18269114, 30877237). ClinVar contains an entry for this variant (Variation ID: 89474). Based on the evidence outlined above, the variant was classified as pathogenic.

Baylor Genetics
Classification: Pathogenic for Endometrial carcinoma. Last evaluated: 2024-02-20. Review status: criteria provided, single submitter. Criteria: ACMG Guidelines, 2015. Collection method: clinical testing. Allele origin: unknown. Not counted in ClinVar's aggregate classification.

Revvity Omics, Revvity
Classification: Pathogenic. Last evaluated: 2023-09-29. Review status: criteria provided, single submitter. Criteria: ACMG Guidelines, 2015. Collection method: clinical testing. Allele origin: germline. Not counted in ClinVar's aggregate classification.

Myriad Genetics, Inc.
Classification: Pathogenic for Lynch syndrome 5. Last evaluated: 2023-03-29. Review status: criteria provided, single submitter. Criteria: Myriad Autosomal Dominant, Autosomal Recessive and X-Linked Classification Criteria (2023). Collection method: clinical testing. Allele origin: unknown. Not counted in ClinVar's aggregate classification.
Comment: This variant is considered pathogenic. This variant creates a frameshift predicted to result in premature protein truncation.

Counsyl
Classification: Likely pathogenic for Lynch syndrome 5. Last evaluated: 2016-03-25. Review status: no assertion criteria provided. Collection method: clinical testing. Allele origin: unknown. Not counted in ClinVar's aggregate classification.

Department of Pathology and Laboratory Medicine, Sinai Health System
Classification: Pathogenic for Malignant tumor of breast. Review status: no assertion criteria provided. Collection method: clinical testing. Allele origin: unknown. Affected: yes. Study: The Canadian Open Genetics Repository (COGR). Not counted in ClinVar's aggregate classification.
Comment: The MSH6 p.Glu1281Leufs*44 variant was identified in 3 of 2216 proband chromosomes (frequency: 0.001) from individuals or families with colorectal or endometrial cancer, or Lynch syndrome (Baglietto 2010, Barnetson 2006, Devlin 2008). The variant was also identified in dbSNP (ID: rs63751319 as "With Pathogenic allele"), ClinVar (5x as pathogenic by InSight, GeneDx, Invitae, Ambry Genetics, and Integrated Genetics/Laboratory Corporation of America and 1x as likely pathogenic by Counsyl), COGR, and Insight Hereditary Tumors databases. The variant was not identified in Cosmic, MutDB, UMD-LSDB, Zhejiang University Database, the Mismatch Repair Genes Variant database, the 1000 Genomes Project, the NHLBI GO Exome Sequencing Project, the Exome Aggregation Consortium (August 8th 2016), or the Genome Aggregation Database (Feb 27, 2017). The c.3840_3846del variant is predicted to cause a frameshift, which alters the protein's amino acid sequence beginning at codon 1281 and leads to a premature stop codon at position 1324. This alteration is predicted to result in a truncated or absent protein and loss of function. Loss of function variants of the MSH6 gene are an established mechanism of disease in MSH6-associated cancers and is the type of variant expected to cause the disorder. In summary, based on the above information, this variant meets our laboratoryâ€šÃ„Ã´s criteria to be classified as pathogenic.

Literature cited by the submitters: PubMed 16807412 (cited by 6 submitters); PubMed 18269114 (cited by 6 submitters); PubMed 20028993 (cited by 4 submitters); PubMed 21155762 (cited by Labcorp Genetics (formerly Invitae), Labcorp); PubMed 26666765 (cited by 3 submitters); PubMed 30877237 (cited by Quest Diagnostics Nichols Institute San Juan Capistrano and Women's Health and Genetics/Laboratory Corporation of America, LabCorp).

NM_000179.3(MSH6):c.3840_3846del (p.Glu1281fs)

Gene: MSH6 (mutS homolog 6; plus strand). Cytogenetic location: 2p16.3.
Variant type: Deletion.
Coding change: c.3840_3846del on transcript NM_000179.3 (MANE Select); coding-DNA positions 3840 to 3846, 7 bases deleted (GGAGACT; older notation c.3840_3846delGGAGACT).
Protein change: p.Glu1281fs; shifts the reading frame from glutamic acid 1281.
Molecular consequence: frameshift variant.
Genome position (GRCh38, 1-based): chr2:47,806,490-47,806,496, GGAGACT deleted. VCF-style (leftmost placement, unchanged base first): chr2-47806489-AGGAGACT-A. GRCh37 (hg19) VCF-style: chr2-48033628-AGGAGACT-A.
Other names: c.3450_3456del, p.Glu1151fs (NM_001281492.2); c.2934_2940del, p.Glu979fs (NM_001281493.2, NM_001281494.2); c.3840_3846delGGAGACT (NM_000179.2, NM_000179.3); short protein forms E1151fs, E979fs.
Identifiers: ClinVar variation 89474 (VCV000089474.35), dbSNP rs63751319, ClinGen allele CA014521.
Genomic context (GRCh38, chr2:47,806,489, plus strand): 5'-CGCTAATATTTTTCTTTCTTAAGGCATGCATGGTAGAAAATGAATGTGAAGACCCCAGCC[AGGAGACT>A]ATTACGTTCCTCTATAAATTCATTAAGGGAGCTTGTCCTAAAAGCTATGGCTTTAATGCA-3'